The following is an entry in ClinVar:

ClinVar aggregate classification (germline): Uncertain significance (1 of 4 stars; one submission).

Allele frequency attached by ClinVar (database versions not stated): 1000 Genomes Project 30x 0.00031.
gnomAD v4.1: 28 of 1,614,186 alleles (0.0017%); highest among the groups gnomAD compares: South Asian, 0.0099%; no homozygotes.

Submission:

Labcorp Genetics (formerly Invitae), Labcorp
Classification: Uncertain significance. Last evaluated: 2024-12-09. Review status: criteria provided, single submitter. Criteria: Invitae Variant Classification Sherloc (09022015). Collection method: clinical testing. Allele origin: germline.
Comment: This sequence change replaces glycine, which is neutral and non-polar, with arginine, which is basic and polar, at codon 610 of the FAT4 protein (p.Gly610Arg). This variant is present in population databases (rs374235705, gnomAD 0.007%). This variant has not been reported in the literature in individuals affected with FAT4-related conditions. ClinVar contains an entry for this variant (Variation ID: 1414920). Invitae Evidence Modeling of protein sequence and biophysical properties (such as structural, functional, and spatial information, amino acid conservation, physicochemical variation, residue mobility, and thermodynamic stability) indicates that this missense variant is not expected to disrupt FAT4 protein function with a negative predictive value of 80%. In summary, the available evidence is currently insufficient to determine the role of this variant in disease. Therefore, it has been classified as a Variant of Uncertain Significance.

NM_001291303.3(FAT4):c.1828G>A (p.Gly610Arg)

Gene: FAT4 (FAT atypical cadherin 4; plus strand). Cytogenetic location: 4q28.1.
Variant type: single nucleotide variant.
Coding change: c.1828G>A on transcript NM_001291303.3 (MANE Select); coding-DNA position 1828, G replaced by A.
Protein change: p.Gly610Arg; replaces glycine 610 with arginine.
Molecular consequence: missense variant.
Genome position (GRCh38, 1-based): chr4:125,318,239, G>A. VCF-style: chr4-125318239-G-A. GRCh37 (hg19) VCF-style: chr4-126239394-G-A.
Other names: c.1828G>A, p.Gly610Arg (NM_001291285.3, NM_024582.6); short protein forms G610R.
Identifiers: ClinVar variation 1414920 (VCV001414920.5), dbSNP rs374235705, ClinGen allele CA3072060.